The following is an entry in ClinVar:

ClinVar aggregate classification (germline): Likely pathogenic (1 of 4 stars; one submission).

Conditions:
Autosomal recessive polycystic kidney disease (ARPKD). Also called: AR polycystic kidney disease. Identifiers: Orphanet 731, Orphanet 8378, MedGen C0085548, MeSH D017044, MONDO:0009889.

Submission:

Natera, Inc.
Classification: Likely pathogenic for Autosomal recessive polycystic kidney disease. Last evaluated: 2024-08-23. Review status: criteria provided, single submitter. Criteria: Natera Variant Classification Schema (03/2026). Collection method: clinical testing. Allele origin: germline.
Comment: The c.5530del variant in PKHD1 is a frameshift variant predicted to shift the reading frame beginning at codon 1844 and leads to a stop codon 130 codons downstream. This variant is expected to result in nonsense mediated decay, truncation, or a dysfunctional protein product. This variant is rare in the general population with a frequency below the threshold expected for the associated phenotype(s). Given the available evidence, this variant is classified as Likely Pathogenic.

NM_138694.4(PKHD1):c.5530del (p.Ser1844fs)

Gene: PKHD1 (PKHD1 ciliary IPT domain containing fibrocystin/polyductin; minus strand). Cytogenetic location: 6p12.2.
Variant type: Deletion.
Coding change: c.5530del on transcript NM_138694.4 (MANE Select); coding-DNA position 5530, one base deleted (T; older notation c.5530delT).
Protein change: p.Ser1844fs; shifts the reading frame from serine 1844.
Molecular consequence: frameshift variant.
Genome position (GRCh38, 1-based): chr6:52,017,480, A deleted on the plus strand (T on the coding strand, the reverse complement: PKHD1 is on the minus strand); the first of 2 consecutive A bases (chr6:52,017,480-52,017,481); deleting either gives the same sequence. VCF-style (leftmost placement, unchanged base first): chr6-52017479-GA-G. GRCh37 (hg19) VCF-style: chr6-51882277-GA-G.
Other names: c.5530del, p.Ser1844fs (NM_170724.3); short protein forms S1844fs.
Identifiers: ClinVar variation 4816698 (VCV004816698.1).